The following is an entry in ClinVar:

NM_005633.4(SOS1):c.323A>G (p.Glu108Gly)

Gene: SOS1 (SOS Ras/Rac guanine nucleotide exchange factor 1; minus strand). Cytogenetic location: 2p22.1.
Variant type: single nucleotide variant.
Coding change: c.323A>G on transcript NM_005633.4 (MANE Select); coding-DNA position 323, A replaced by G.
Protein change: p.Glu108Gly; replaces glutamic acid 108 with glycine.
Molecular consequence: missense variant.
Genome position (GRCh38, 1-based): chr2:39,058,695, T>C on the plus strand (A>G on the coding strand, the complement: SOS1 is on the minus strand). VCF-style: chr2-39058695-T-C. GRCh37 (hg19) VCF-style: chr2-39285836-T-C.
Other names: c.302A>G, p.Glu101Gly (NM_001382394.1); c.323A>G, p.Glu108Gly (NM_001382395.1); short protein forms E108G, E101G.
Identifiers: ClinVar variation 280778 (VCV000280778.5), dbSNP rs886041923, ClinGen allele CA10602855.

ClinVar aggregate classification (germline): Conflicting classifications of pathogenicity. Review status: criteria provided, conflicting classifications (1 of 4 stars). 2 submissions from 2 submitters: Pathogenic (1); Uncertain significance (1). Last evaluated 2025-12-13.

Conditions:
Cardiovascular phenotype. Identifiers: MedGen CN230736.

Allele frequency attached by ClinVar (database versions not stated): gnomAD exomes below 0.00001.
gnomAD v4.1: 2 of 1,612,998 alleles (0.00012%); highest among the groups gnomAD compares: Non-Finnish European, 0.00017%; no homozygotes.

Submissions (2):

GeneDx
Classification: Pathogenic. Last evaluated: 2025-12-13. Review status: criteria provided, single submitter. Criteria: GeneDx Variant Classification Process June 2021. Collection method: clinical testing. Allele origin: germline. Affected: yes.
Comment: Not observed at significant frequency in large population cohorts (gnomAD); Missense variants in this gene are a common cause of disease and they are underrepresented in the general population; In silico analysis supports that this missense variant has a deleterious effect on protein structure/function; This variant is associated with the following publications: (PMID: 29493581, 39596663, 17143282, 24270602)

Ambry Genetics
Classification: Uncertain significance for Cardiovascular phenotype. Last evaluated: 2021-11-10. Review status: criteria provided, single submitter. Criteria: Ambry Variant Classification Scheme 2023. Collection method: clinical testing. Allele origin: germline.
Comment: The p.E108G variant (also known as c.323A>G), located in coding exon 3 of the SOS1 gene, results from an A to G substitution at nucleotide position 323. The glutamic acid at codon 108 is replaced by glycine, an amino acid with similar properties. A different variant affecting this codon (p.E108K, c.322G>A) has been reported in association with Noonan syndrome (Tartaglia M et al. Nat Genet. 2007 Jan;39(1):75-9). This amino acid position is not well conserved in available vertebrate species. In addition, the in silico prediction for this alteration is inconclusive. Since supporting evidence is limited at this time, the clinical significance of this alteration remains unclear.